The following is an entry in ClinVar:

ClinVar aggregate classification (germline): Pathogenic (1 of 4 stars; one submission).

Conditions:
Familial adenomatous polyposis 1 (FAP1). Also called: POLYPOSIS, ADENOMATOUS INTESTINAL; FAMILIAL ADENOMATOUS POLYPOSIS 1, ATTENUATED. Identifiers: MedGen C2713442, MONDO:0021056, OMIM 175100. Disease mechanism: loss of function.

Submission:

Myriad Genetics, Inc.
Classification: Pathogenic for Familial adenomatous polyposis 1. Last evaluated: 2023-05-10. Review status: criteria provided, single submitter. Criteria: Myriad Autosomal Dominant, Autosomal Recessive and X-Linked Classification Criteria (2023). Collection method: clinical testing. Allele origin: unknown.
Comment: This variant is considered pathogenic. This variant creates a termination codon and is predicted to result in premature protein truncation.

NM_000038.6(APC):c.4386_4387delinsTT (p.Lys1462_Arg1463delinsAsnTer)

Gene: APC (APC regulator of Wnt signaling pathway; plus strand). Cytogenetic location: 5q22.2.
Variant type: Indel.
Coding change: c.4386_4387delinsTT on transcript NM_000038.6 (MANE Select); coding-DNA positions 4386 to 4387, GA replaced by TT.
Protein change: p.Lys1462_Arg1463delinsAsnTer.
Molecular consequence: nonsense. On other transcripts: non-coding transcript variant (2).
Genome position (GRCh38, 1-based): chr5:112,839,980-112,839,981, GA replaced by TT. VCF-style: chr5-112839980-GA-TT. GRCh37 (hg19) VCF-style: chr5-112175677-GA-TT.
Other names: c.4386_4387delinsTT, p.Lys1462_Arg1463delinsAsnTer (NM_001127510.3, NM_001354895.2, NM_001407450.1); c.4332_4333delinsTT, p.Lys1444_Arg1445delinsAsnTer (NM_001127511.3); c.4440_4441delinsTT, p.Lys1480_Arg1481delinsAsnTer (NM_001354896.2, NM_001407447.1, NM_001407448.1 and 1 more transcripts); c.4416_4417delinsTT, p.Lys1472_Arg1473delinsAsnTer (NM_001354897.2); c.4311_4312delinsTT, p.Lys1437_Arg1438delinsAsnTer (NM_001354898.2); c.4302_4303delinsTT, p.Lys1434_Arg1435delinsAsnTer (NM_001354899.2); c.4263_4264delinsTT, p.Lys1421_Arg1422delinsAsnTer (NM_001354900.2); c.4209_4210delinsTT, p.Lys1403_Arg1404delinsAsnTer (NM_001354901.2, NM_001407453.1); and 11 more.
Identifiers: ClinVar variation 2583576 (VCV002583576.1), dbSNP rs2533571110, ClinGen allele CA2582341291.